The following is an entry in ClinVar:

NC_000023.10:g.(?_31332523)_(31986651_?)dup

Genes: DMD (dystrophin; minus strand), LOC129391296 (MPRA-validated peak7373 silencer; plus strand). Cytogenetic location: Xp21.2-21.1.
Variant type: Duplication.
Identifiers: ClinVar variation 583656 (VCV000583656.1).

ClinVar aggregate classification (germline): Likely pathogenic (1 of 4 stars; one submission).

Conditions:
Duchenne muscular dystrophy (DMD). Also called: MUSCULAR DYSTROPHY, PSEUDOHYPERTROPHIC PROGRESSIVE, DUCHENNE TYPE; Duchenne Muscular Dystrophy (DMD). Identifiers: Orphanet 98896, MedGen C0013264, MONDO:0010679, OMIM 310200.

Submission:

Labcorp Genetics (formerly Invitae), Labcorp
Classification: Likely pathogenic for Duchenne muscular dystrophy. Last evaluated: 2018-04-27. Review status: criteria provided, single submitter. Criteria: Invitae Variant Classification Sherloc (09022015). Collection method: clinical testing. Allele origin: germline.
Comment: This variant results in a copy number gain of the genomic region encompassing exonsÂ¬â€ 45-62Â¬â€ of the DMD gene. While the exact position of this variant cannot be determined from this data, sub-genic copy number gains are generally in tandem (PMID: 25640679) and may result in an absent or disrupted protein product. A similar copy number gain of exons 45-62 has been observed in a cell line derived from a patient affected with Duchenne muscular dystrophy (DMD)Â¬â€ (PMID:Â¬â€ 21354051). Loss-of-function variants in DMD are known to be pathogenic (PMID: 16770791, 25007885). In summary, the currently available evidence indicates that the variant is pathogenic, but additional data are needed to prove that conclusively. Therefore, this variant has been classified as Likely Pathogenic.